The following is an entry in ClinVar:

NM_001849.4(COL6A2):c.3018G>A (p.Ala1006=)

Gene: COL6A2 (collagen type VI alpha 2 chain; plus strand). Cytogenetic location: 21q22.3.
Variant type: single nucleotide variant.
Coding change: c.3018G>A on transcript NM_001849.4 (MANE Select); coding-DNA position 3018, G replaced by A.
Protein change: p.Ala1006=; no amino-acid change (alanine 1006 retained).
Molecular consequence: synonymous variant.
Genome position (GRCh38, 1-based): chr21:46,132,510, G>A. VCF-style: chr21-46132510-G-A. GRCh37 (hg19) VCF-style: chr21-47552424-G-A.
Identifiers: ClinVar variation 281959 (VCV000281959.20), dbSNP rs61735832, ClinGen allele CA10073141.

ClinVar aggregate classification (germline): Conflicting classifications of pathogenicity. Review status: criteria provided, conflicting classifications (1 of 4 stars). 4 submissions from 4 submitters: Uncertain significance (1); Likely benign (3). Last evaluated 2026-09-01.

Conditions:
Bethlem myopathy 1A. Also called: Bethlem Muscular Dystrophy; MYOPATHY, BENIGN CONGENITAL, WITH CONTRACTURES; Bethlem myopathy 1. Identifiers: Orphanet 610, MedGen CN029274, MONDO:0024530, OMIM 158810.

Allele frequency attached by ClinVar (database versions not stated): gnomAD exomes 0.00006 and 0.00011; gnomAD 0.00007; ExAC 0.00010; TOPMed 0.00012; 1000 Genomes Project 30x 0.00016; 1000 Genomes Project 0.00020; ESP Exome Variant Server 0.00023.
gnomAD v4.1: 104 of 1,606,938 alleles (0.0065%); highest among the groups gnomAD compares: Middle Eastern, 0.033%; no homozygotes.

Submissions (4):

CeGaT Center for Human Genetics Tuebingen
Classification: Likely benign. Last evaluated: 2026-09-01. Review status: criteria provided, single submitter. Criteria: CeGaT Center For Human Genetics Tuebingen Variant Classification Criteria Version 2. Collection method: clinical testing. Allele origin: germline. Affected: yes. Observed: 1 variant allele.
Comment: COL6A2: BP4, BP7

Labcorp Genetics (formerly Invitae), Labcorp
Classification: Likely benign for Bethlem myopathy 1A. Last evaluated: 2025-12-15. Review status: criteria provided, single submitter. Criteria: Invitae Variant Classification Sherloc (09022015). Collection method: clinical testing. Allele origin: germline.

GeneDx
Classification: Likely benign. Last evaluated: 2020-11-17. Review status: criteria provided, single submitter. Criteria: GeneDx Variant Classification Process June 2021. Collection method: clinical testing. Allele origin: germline. Affected: yes.

Eurofins Ntd Llc (ga)
Classification: Uncertain significance. Last evaluated: 2015-07-14. Review status: criteria provided, single submitter. Criteria: EGL Classification Definitions 2015. Collection method: clinical testing. Allele origin: germline. Observed: 1 variant allele, 1 heterozygote.